The following is an entry in ClinVar:

NM_000031.6(ALAD):c.141C>T (p.Ile47=)

Gene: ALAD (aminolevulinate dehydratase; minus strand). Cytogenetic location: 9q32.
Variant type: single nucleotide variant.
Coding change: c.141C>T on transcript NM_000031.6 (MANE Select); coding-DNA position 141, C replaced by T.
Protein change: p.Ile47=; no amino-acid change (isoleucine 47 retained).
Molecular consequence: synonymous variant. On other transcripts: intron variant (1).
Genome position (GRCh38, 1-based): chr9:113,392,142, G>A on the plus strand (C>T on the coding strand, the complement: ALAD is on the minus strand). VCF-style: chr9-113392142-G-A. GRCh37 (hg19) VCF-style: chr9-116154422-G-A.
Other names: c.228C>T, p.Ile76= (NM_001003945.3); c.141-519C>T (NM_001317745.2).
Identifiers: ClinVar variation 747972 (VCV000747972.13), dbSNP rs116243288, ClinGen allele CA5196604.

ClinVar aggregate classification (germline): Benign/Likely benign. Review status: criteria provided, multiple submitters, no conflicts (2 of 4 stars). 4 submissions from 4 submitters: Benign (3); Likely benign (1). Last evaluated 2026-01-15.

Conditions:
ALAD-related disorder. Also called: ALAD-related condition.

Allele frequency attached by ClinVar (database versions not stated): gnomAD exomes 0.00026 and 0.00069; ExAC 0.00089; ESP Exome Variant Server 0.00215; gnomAD 0.00276 and 0.00297; 1000 Genomes Project 0.00280; TOPMed 0.00305; 1000 Genomes Project 30x 0.00328.
gnomAD v4.1: 803 of 1,613,852 alleles (0.05%); highest among the groups gnomAD compares: African/African-American, 0.96%; 2 homozygotes.

Submissions (4):

Labcorp Genetics (formerly Invitae), Labcorp
Classification: Benign. Last evaluated: 2026-01-15. Review status: criteria provided, single submitter. Criteria: Invitae Variant Classification Sherloc (09022015). Collection method: clinical testing. Allele origin: germline.

PreventionGenetics, part of Exact Sciences
Classification: Benign for ALAD-related condition. Last evaluated: 2025-03-05. Review status: criteria provided, single submitter. Criteria: ACMG Guidelines, 2015. Collection method: clinical testing. Allele origin: germline.
Comment: This variant is classified as benign based on ACMG/AMP sequence variant interpretation guidelines (Richards et al. 2015 PMID: 25741868, with internal and published modifications).

Blueprint Genetics
Classification: Likely benign. Last evaluated: 2024-09-16. Review status: criteria provided, single submitter. Criteria: ACMG Guidelines, 2015. Collection method: clinical testing. Allele origin: germline.

Breakthrough Genomics
Classification: Benign. Review status: criteria provided, single submitter. Criteria: ACMG Guidelines, 2015. Collection method: not provided. Allele origin: germline. Inheritance: Autosomal recessive inheritance. Affected: yes.